The following is an entry in ClinVar:

NC_000001.10:g.(?_220345211)_(220375736_?)dup

Gene: RAB3GAP2 (RAB3 GTPase activating non-catalytic protein subunit 2; minus strand). Cytogenetic location: 1q41.
Variant type: Duplication.
Identifiers: ClinVar variation 3247714 (VCV003247714.1).

ClinVar aggregate classification (germline): Likely pathogenic (1 of 4 stars; one submission).

Conditions:
Martsolf syndrome (MARTS). Also called: Congenital cataract with intellectual disability and hypogonadotropic hypogonadism syndrome. Identifiers: Orphanet 1387, MedGen C0796037, MONDO:0023910.
Warburg micro syndrome 2 (WARBM2). Also called: MICRO SYNDROME 2. Identifiers: Orphanet 2510, MedGen C3280214, MONDO:0013641, OMIM 614225.

Submission:

Labcorp Genetics (formerly Invitae), Labcorp
Classification: Likely pathogenic for Martsolf syndrome; Warburg micro syndrome 2. Last evaluated: 2023-11-19. Review status: criteria provided, single submitter. Criteria: Invitae Variant Classification Sherloc (09022015). Collection method: clinical testing. Allele origin: unknown.
Comment: This variant results in a copy number gain of the genomic region encompassing exon(s) 9-23 of the RAB3GAP2 gene. While the exact position of this variant cannot be determined from the data, sub-genic copy number gains are generally in tandem (PMID: 25640679). This variant is predicted to be out-of-frame, and may result in an absent or disrupted protein product. Loss-of-function variants in RAB3GAP2 are known to be pathogenic (PMID: 23420520). This variant has not been reported in the literature in individuals affected with RAB3GAP2-related conditions. In summary, the currently available evidence indicates that the variant is pathogenic, but additional data are needed to prove that conclusively. Therefore, this variant has been classified as Likely Pathogenic.

Literature cited by the submitters: PubMed 25640679; PubMed 23420520.